The following is an entry in ClinVar:

ClinVar aggregate classification (germline): Pathogenic (1 of 4 stars; one submission).

Conditions:
Retinoblastoma (RB1). Also called: RETINOBLASTOMA, SOMATIC. Identifiers: Orphanet 790, MedGen C0035335, MeSH D012175, MONDO:0008380, OMIM 180200, HP:0009919. Disease mechanism: loss of function. Inheritance: Both sporadic and heritable forms are tested..

Submissions (2):

Genetic Diagnostic Laboratory, University of Pennsylvania School of Medicine
Classification: Pathogenic for Retinoblastoma. Last evaluated: 2024-05-20. Review status: criteria provided, single submitter. Criteria: ACMG Guidelines, 2015. Collection method: clinical testing. Allele origin: germline. Affected: yes. Observed: 1 variant allele.
Comment: Case and Pedigree Information: BILATERAL CASES:0, UNILATERAL CASES:1, TOTAL CASES:1, PEDIGREES:1. ACMG Codes Applied:PVS1, PM2, PP3

Dr. Peter K. Rogan Lab, Western University
No classification provided (evidence only). Condition: Malignant tumor of urinary bladder. Review status: no classification provided. Collection method: in vitro. Allele origin: not applicable. Functional consequence: retained intron. Not counted in ClinVar's aggregate classification.

NM_000321.3(RB1):c.1216-3A>G

Gene: RB1 (RB transcriptional corepressor 1; plus strand). Cytogenetic location: 13q14.2.
Variant type: single nucleotide variant.
Coding change: c.1216-3A>G on transcript NM_000321.3 (MANE Select); 3 bases into the intron before coding-DNA position 1216, A replaced by G.
Molecular consequence: intron variant.
Genome position (GRCh38, 1-based): chr13:48,376,915, A>G. VCF-style: chr13-48376915-A-G. GRCh37 (hg19) VCF-style: chr13-48951051-A-G.
Other names: NC_000013.10:g.48951051A>G; c.1216-3A>G (NM_001407165.1, NM_001407166.1).
Identifiers: ClinVar variation 3236962 (VCV003236962.2), dbSNP rs2138136154.